The following is an entry in ClinVar:

NM_001048174.2(MUTYH):c.182A>G (p.Asp61Gly)

Gene: MUTYH (mutY DNA glycosylase; minus strand). Cytogenetic location: 1p34.1.
Variant type: single nucleotide variant.
Coding change: c.182A>G on transcript NM_001048174.2 (MANE Select); coding-DNA position 182, A replaced by G.
Protein change: p.Asp61Gly; replaces aspartic acid 61 with glycine.
Molecular consequence: missense variant. On other transcripts: 5 prime UTR variant (6), non-coding transcript variant (7).
Genome position (GRCh38, 1-based): chr1:45,333,495, T>C on the plus strand (A>G on the coding strand, the complement: MUTYH is on the minus strand). VCF-style: chr1-45333495-T-C. GRCh37 (hg19) VCF-style: chr1-45799167-T-C.
Other names: c.182A>G, p.Asp61Gly (NM_001048171.2, NM_001407070.1, NM_001407072.1 and 6 more transcripts); c.-90A>G (NM_001350651.2, NM_001350650.2, NM_001407082.1); c.257A>G, p.Asp86Gly (NM_001407069.1, NM_012222.3); c.185A>G, p.Asp62Gly (NM_001407071.1, NM_001407078.1, NM_001048172.2 and 2 more transcripts); c.224A>G, p.Asp75Gly (NM_001407073.1, NM_001407083.1, NM_001407085.1); c.98A>G, p.Asp33Gly (NM_001407075.1); c.215A>G, p.Asp72Gly (NM_001407077.1, NM_001293191.2); c.266A>G, p.Asp89Gly (NM_001128425.2); and 3 more; short protein forms D61G, D68G, D33G, D62G, D76G, D86G, D89G, D72G.
Identifiers: ClinVar variation 4113557 (VCV004113557.1).

ClinVar aggregate classification (germline): Uncertain significance (1 of 4 stars; one submission).

Conditions:
Hereditary cancer-predisposing syndrome. Also called: Hereditary neoplastic syndrome; Neoplastic Syndromes, Hereditary; Tumor predisposition; Hereditary Cancer Syndrome. Identifiers: Orphanet 140162, MedGen C0027672, MeSH D009386, MONDO:0015356.

Submission:

Ambry Genetics
Classification: Uncertain significance for Hereditary cancer-predisposing syndrome. Last evaluated: 2025-08-27. Review status: criteria provided, single submitter. Criteria: Ambry Variant Classification Scheme 2023. Collection method: clinical testing. Allele origin: germline.
Comment: The p.D89G variant (also known as c.266A>G), located in coding exon 3 of the MUTYH gene, results from an A to G substitution at nucleotide position 266. The aspartic acid at codon 89 is replaced by glycine, an amino acid with similar properties. This amino acid position is conserved. In addition, the in silico prediction for this alteration is inconclusive. Based on the available evidence, the clinical significance of this variant remains unclear.